The following is an entry in ClinVar:

NM_212482.4(FN1):c.3307A>C (p.Ile1103Leu)

Gene: FN1 (fibronectin 1; minus strand). Cytogenetic location: 2q35.
Variant type: single nucleotide variant.
Coding change: c.3307A>C on transcript NM_212482.4 (MANE Select); coding-DNA position 3307, A replaced by C.
Protein change: p.Ile1103Leu; replaces isoleucine 1103 with leucine.
Molecular consequence: missense variant.
Genome position (GRCh38, 1-based): chr2:215,399,298, T>G on the plus strand (A>C on the coding strand, the complement: FN1 is on the minus strand). VCF-style: chr2-215399298-T-G. GRCh37 (hg19) VCF-style: chr2-216264021-T-G.
Other names: c.3307A>C, p.Ile1103Leu (NM_001306129.2, NM_001306130.2, NM_001306131.2 and 13 more transcripts); short protein forms I1103L.
Identifiers: ClinVar variation 721246 (VCV000721246.28), dbSNP rs13306364, ClinGen allele CA2094739.
Genomic context (GRCh38, chr2:215,399,298, plus strand): 5'-AGGAACATCTGCAGTTTACCTTAAAACCAATTCTTGGAGCAGGCGTCCATGTGATCACAA[T>G]GGTGGTCTCAGTCACCTCGGTGTTGTAAGGTGGAATAGAGCTCCCAGGCTGCACTGTGAG-3'
Protein context (NP_997647.2, residues 1093-1113): PYNTEVTETT[Ile1103Leu]VITWTPAPRI

ClinVar aggregate classification (germline): Benign. Review status: criteria provided, multiple submitters, no conflicts (2 of 4 stars). 4 submissions from 4 submitters: Benign (3). 1 of the submissions does not count toward it. Last evaluated 2026-08-01.

Conditions:
FN1-related disorder. Also called: FN1-related condition.

Allele frequency attached by ClinVar (database versions not stated): ESP Exome Variant Server 0.00031; gnomAD exomes 0.00145 and 0.00413; gnomAD 0.00163 and 0.00209; ExAC 0.00363; TOPMed 0.00389; 1000 Genomes Project 30x 0.00750; 1000 Genomes Project 0.00839.
gnomAD v4.1: 2,651 of 1,614,058 alleles (0.16%); highest among the groups gnomAD compares: East Asian, 5%; 66 homozygotes.

Submissions (4):

CeGaT Center for Human Genetics Tuebingen
Classification: Benign. Last evaluated: 2026-08-01. Review status: criteria provided, single submitter. Criteria: CeGaT Center For Human Genetics Tuebingen Variant Classification Criteria Version 2. Collection method: clinical testing. Allele origin: germline. Affected: yes. Observed: 2 variant alleles.
Comment: FN1: PP2, BS1, BS2

Labcorp Genetics (formerly Invitae), Labcorp
Classification: Benign. Last evaluated: 2026-02-01. Review status: criteria provided, single submitter. Criteria: Invitae Variant Classification Sherloc (09022015). Collection method: clinical testing. Allele origin: germline.

GeneDx
Classification: Benign. Last evaluated: 2020-02-23. Review status: criteria provided, single submitter. Criteria: GeneDx Variant Classification Process June 2021. Collection method: clinical testing. Allele origin: germline. Affected: yes.

PreventionGenetics, part of Exact Sciences
Classification: Benign for FN1-related condition. Last evaluated: 2019-07-23. Review status: no assertion criteria provided. Collection method: clinical testing. Allele origin: germline. Not counted in ClinVar's aggregate classification.
Comment: This variant is classified as benign based on ACMG/AMP sequence variant interpretation guidelines (Richards et al. 2015 PMID: 25741868, with internal and published modifications).